The following is an entry in ClinVar:

ClinVar aggregate classification (germline): Benign/Likely benign. Review status: criteria provided, multiple submitters, no conflicts (2 of 4 stars). 4 submissions from 4 submitters: Benign (1); Likely benign (3). Last evaluated 2026-01-26.

Conditions:
Multiple endocrine neoplasia, type 2 (MEN2). Identifiers: Orphanet 653, MedGen C4048306, MONDO:0019003. Disease mechanism: gain of function.
Hereditary cancer-predisposing syndrome. Also called: Tumor predisposition; Neoplastic Syndromes, Hereditary; Hereditary Cancer Syndrome; Hereditary neoplastic syndrome. Identifiers: Orphanet 140162, MedGen C0027672, MeSH D009386, MONDO:0015356.
Multiple endocrine neoplasia type 2A. Also called: Multiple Endocrine Neoplasia Type 2A (MEN2A); MULTIPLE ENDOCRINE NEOPLASIA, TYPE IIA; PTC SYNDROME; SIPPLE SYNDROME; MEN 2A; MEN-2A syndrome. Identifiers: Orphanet 247698, Orphanet 653, MedGen C0025268, MeSH D018813, MONDO:0008234, OMIM 171400.

gnomAD v4.1: 4 of 1,613,796 alleles (0.00025%); highest among the groups gnomAD compares: African/African-American, 0.0013%; no homozygotes.

Submissions (4):

Labcorp Genetics (formerly Invitae), Labcorp
Classification: Likely benign for Multiple endocrine neoplasia, type 2. Last evaluated: 2026-01-26. Review status: criteria provided, single submitter. Criteria: Invitae Variant Classification Sherloc (09022015). Collection method: clinical testing. Allele origin: germline.

Myriad Genetics, Inc.
Classification: Benign for Multiple endocrine neoplasia type 2A. Last evaluated: 2025-02-25. Review status: criteria provided, single submitter. Criteria: Myriad Autosomal Dominant, Autosomal Recessive and X-Linked Classification Criteria (2023). Collection method: clinical testing. Allele origin: unknown.
Comment: This variant is considered benign. This variant is a silent/synonymous amino acid change and it is not expected to impact splicing.

Blueprint Genetics
Classification: Likely benign. Last evaluated: 2024-06-19. Review status: criteria provided, single submitter. Criteria: ACMG Guidelines, 2015. Collection method: clinical testing. Allele origin: germline.

Ambry Genetics
Classification: Likely benign for Hereditary cancer-predisposing syndrome. Last evaluated: 2021-01-07. Review status: criteria provided, single submitter. Criteria: Ambry Variant Classification Scheme 2023. Collection method: clinical testing. Allele origin: germline.

NM_020975.6(RET):c.1008C>T (p.Asn336=)

Gene: RET (ret proto-oncogene; plus strand). Cytogenetic location: 10q11.21.
Variant type: single nucleotide variant.
Coding change: c.1008C>T on transcript NM_020975.6 (MANE Select); coding-DNA position 1008, C replaced by T.
Protein change: p.Asn336=; no amino-acid change (asparagine 336 retained).
Molecular consequence: synonymous variant. On other transcripts: intron variant (25).
Genome position (GRCh38, 1-based): chr10:43,106,516, C>T. VCF-style: chr10-43106516-C-T. GRCh37 (hg19) VCF-style: chr10-43601964-C-T.
Other names: c.1008C>T, p.Asn336= (NM_000323.2, NM_001406743.1, NM_001406744.1 and 6 more transcripts); c.246C>T, p.Asn82= (NM_001355216.2); c.879C>T, p.Asn293= (NM_001406761.1, NM_001406762.1, NM_001406764.1 and 1 more transcripts); c.720C>T, p.Asn240= (NM_001406766.1, NM_001406767.1, NM_001406770.1); c.867+1323C>T (NM_001406772.1, NM_001406769.1); c.626-2515C>T (NM_001406773.1, NM_001406771.1); c.625+3887C>T (NM_001406782.1, NM_001406780.1, NM_001406779.1 and 3 more transcripts); c.738+1323C>T (NM_001406774.1); and 5 more.
Identifiers: ClinVar variation 732162 (VCV000732162.16), dbSNP rs144981275, ClinGen allele CA030605.